The following is an entry in ClinVar:

NM_015122.3(FCHO1):c.1937+5C>G

Gene: FCHO1 (FCH and mu domain containing endocytic adaptor 1; plus strand). Cytogenetic location: 19p13.11.
Variant type: single nucleotide variant.
Coding change: c.1937+5C>G on transcript NM_015122.3 (MANE Select); 5 bases into the intron after coding-DNA position 1937, C replaced by G.
Molecular consequence: intron variant.
Genome position (GRCh38, 1-based): chr19:17,781,825, C>G. VCF-style: chr19-17781825-C-G. GRCh37 (hg19) VCF-style: chr19-17892634-C-G.
Other names: c.1787+5C>G (NM_001384384.1, NM_001384385.1, NM_001384386.1 and 1 more transcripts); c.1937+5C>G (NM_001384377.1, NM_001384380.1, NM_001384379.1 and 13 more transcripts); c.1820+5C>G (NM_001384394.1, NM_001384392.1, NM_001384395.1 and 1 more transcripts); c.1661+5C>G (NM_001384401.1, NM_001384402.1, NM_001384396.1 and 5 more transcripts); c.1898+5C>G (NM_001384389.1, NM_001384388.1, NM_001384405.1); c.1862+5C>G (NM_001384390.1); c.1511+5C>G (NM_001384406.1); c.1367+5C>G (NM_001384407.1); and 1 more.
Identifiers: ClinVar variation 3727001 (VCV003727001.2).

ClinVar aggregate classification (germline): Uncertain significance (1 of 4 stars; one submission).

gnomAD v4.1: 1 of 1,571,660 alleles (0.000064%); highest among the groups gnomAD compares: Non-Finnish European, 0.000086%; no homozygotes.

Submission:

Labcorp Genetics (formerly Invitae), Labcorp
Classification: Uncertain significance. Last evaluated: 2024-12-10. Review status: criteria provided, single submitter. Criteria: Invitae Variant Classification Sherloc (09022015). Collection method: clinical testing. Allele origin: germline.
Comment: This sequence change falls in intron 23 of the FCHO1 gene. It does not directly change the encoded amino acid sequence of the FCHO1 protein. It affects a nucleotide within the consensus splice site. This variant is not present in population databases (gnomAD no frequency). This variant has not been reported in the literature in individuals affected with FCHO1-related conditions. Variants that disrupt the consensus splice site are a relatively common cause of aberrant splicing (PMID: 17576681, 9536098). Algorithms developed to predict the effect of sequence changes on RNA splicing suggest that this variant is not likely to affect RNA splicing. In summary, the available evidence is currently insufficient to determine the role of this variant in disease. Therefore, it has been classified as a Variant of Uncertain Significance.

Literature cited by the submitters: PubMed 17576681; PubMed 9536098.